The following is an entry in ClinVar:

ClinVar aggregate classification (germline): Likely pathogenic (1 of 4 stars; one submission).

Conditions:
Hereditary cancer-predisposing syndrome. Also called: Hereditary Cancer Syndrome; Hereditary neoplastic syndrome; Neoplastic Syndromes, Hereditary; Tumor predisposition. Identifiers: Orphanet 140162, MedGen C0027672, MeSH D009386, MONDO:0015356.

Submission:

Ambry Genetics
Classification: Likely pathogenic for Hereditary cancer-predisposing syndrome. Last evaluated: 2025-06-13. Review status: criteria provided, single submitter. Criteria: Ambry Variant Classification Scheme 2023. Collection method: clinical testing. Allele origin: germline.
Comment: The c.3946_3962del17 variant, located in coding exon 9 of the MSH6 gene, results from a deletion of 17 nucleotides at nucleotide positions 3946 to 3962, causing a translational frameshift with a predicted alternate stop codon (p.G1316Rfs*3). This alteration occurs at the 3' terminus of theMSH6 gene, is not expected to trigger nonsense-mediated mRNA decay, and impacts the last 3.3% of the protein. However, premature stop codons are typically deleterious in nature and the impacted region is critical for protein function (Ambry internal data). This variant is considered to be rare based on population cohorts in the Genome Aggregation Database (gnomAD).Based on the majority of available evidence to date, this variant is likely to be pathogenic.

NM_000179.3(MSH6):c.3946_3962del (p.Gly1316fs)

Gene: MSH6 (mutS homolog 6; plus strand). Cytogenetic location: 2p16.3.
Variant type: Deletion.
Coding change: c.3946_3962del on transcript NM_000179.3 (MANE Select); coding-DNA positions 3946 to 3962, 17 bases deleted (GGACATAGAAAAGCAAG).
Protein change: p.Gly1316fs; shifts the reading frame from glycine 1316.
Molecular consequence: frameshift variant. On other transcripts: non-coding transcript variant (5), intron variant (1).
Genome position (GRCh38, 1-based): chr2:47,806,596-47,806,612, GGACATAGAAAAGCAAG deleted; deleting any 17 consecutive bases within chr2:47,806,593-47,806,612 gives the same sequence; the c. name uses the placement nearest the transcript's 3' end. VCF-style (leftmost placement, unchanged base first): chr2-47806592-AAAGGGACATAGAAAAGC-A. GRCh37 (hg19) VCF-style: chr2-48033731-AAAGGGACATAGAAAAGC-A.
Other names: c.3556_3572del, p.Gly1186fs (NM_001281492.2); c.3040_3056del, p.Gly1014fs (NM_001281493.2, NM_001281494.2, NM_001406811.1 and 6 more transcripts); c.4042_4058del, p.Gly1348fs (NM_001406795.1); c.3946_3962del, p.Gly1316fs (NM_001406796.1, NM_001406808.1, NM_001406809.1); c.3649_3665del, p.Gly1217fs (NM_001406797.1, NM_001406801.1, NM_001406805.1 and 10 more transcripts); c.3772_3788del, p.Gly1258fs (NM_001406798.1); c.3421_3437del, p.Gly1141fs (NM_001406799.1, NM_001406806.1, NM_001406807.1); c.3933_3949del, p.Asp1312fs (NM_001406800.1); and 9 more; short protein forms G1258fs, G265fs, D1312fs, G1186fs, G1217fs, G1260fs, G794fs, G1028fs.
Identifiers: ClinVar variation 3913774 (VCV003913774.1).